The following is an entry in ClinVar:

ClinVar aggregate classification (germline): Uncertain significance (1 of 4 stars; one submission).

Conditions:
Early Myoclonic Encephalopathy. Identifiers: MedGen C0270855.

Submission:

Labcorp Genetics (formerly Invitae), Labcorp
Classification: Uncertain significance for Early Myoclonic Encephalopathy. Last evaluated: 2021-11-17. Review status: criteria provided, single submitter. Criteria: Invitae Variant Classification Sherloc (09022015). Collection method: clinical testing. Allele origin: germline.
Comment: In summary, the available evidence is currently insufficient to determine the role of this variant in disease. Therefore, it has been classified as a Variant of Uncertain Significance. Experimental studies and prediction algorithms are not available or were not evaluated, and the functional significance of this variant is currently unknown. This variant has not been reported in the literature in individuals affected with JMJD1C-related conditions. This variant is present in population databases (rs773649145, gnomAD 0.007%). This variant, c.106_114dup, results in the insertion of 3 amino acid(s) of the JMJD1C protein (p.Ser36_Arg38dup), but otherwise preserves the integrity of the reading frame.

NM_032776.3(JMJD1C):c.106_114dup (p.Ser36_Arg38dup)

Genes: JMJD1C (jumonji domain containing 1C; minus strand), JMJD1C-AS1 (JMJD1C antisense RNA 1; plus strand). Cytogenetic location: 10q21.3.
Variant type: Duplication.
Coding change: c.106_114dup on transcript NM_032776.3 (MANE Select); coding-DNA positions 106 to 114, 9 bases duplicated (AGCTGGCGA; older notation c.106_114dupAGCTGGCGA).
Protein change: p.Ser36_Arg38dup.
Molecular consequence: inframe insertion. On other transcripts: non-coding transcript variant (1), intron variant (2).
Genome position (GRCh38, 1-based): chr10:63,465,549-63,465,557, TCGCCAGCT duplicated on the plus strand (AGCTGGCGA on the coding strand, the reverse complement: JMJD1C is on the minus strand); duplicating any 9 consecutive bases within chr10:63,465,549-63,465,565 gives the same sequence; the c. name uses the placement nearest the transcript's 3' end. VCF-style (leftmost placement, unchanged base first): chr10-63465548-C-CTCGCCAGCT. GRCh37 (hg19) VCF-style: chr10-65225308-C-CTCGCCAGCT.
Other names: c.106_114dup, p.Ser36_Arg38dup (NM_001322252.2); c.-384+56181_-384+56189dup (NM_001322258.2); c.-379+56181_-379+56189dup (NM_001318154.2).
Identifiers: ClinVar variation 1381233 (VCV001381233.6), dbSNP rs773649145, ClinGen allele CA5519211.